The following is an entry in ClinVar:

ClinVar aggregate classification (germline): Likely pathogenic (1 of 4 stars; one submission).

Conditions:
Alport syndrome. Also called: Hemorrhagic familial nephritis; Hemorrhagic hereditary nephritis; Congenital hereditary hematuria. Identifiers: Orphanet 63, MedGen C1567741, MONDO:0018965.

Submission:

Victorian Clinical Genetics Services, Murdoch Childrens Research Institute
Classification: Likely pathogenic for Alport syndrome. Last evaluated: 2025-07-28. Review status: criteria provided, single submitter. Criteria: ACMG Guidelines, 2015. Collection method: clinical testing. Allele origin: germline. Affected: yes.
Comment: This variant is classified as Likely pathogenic. Evidence in support of pathogenic classification: Variant is absent from gnomAD (v2, v3 and v4); Another missense variant comparable to the one identified in this case has limited previous evidence for pathogenicity. p.(Gly1445Glu) has been classified as pathogenic by a clinical laboratory in ClinVar; Variant is located in the well-established functional Gly-X-Y motif (DECIPHER); Missense variant predicted to be damaging by in silico tool(s) or highly conserved with a major amino acid change. Additional information: Variant is predicted to result in a missense amino acid change from Gly to Arg; This variant is heterozygous; This gene is associated with both recessive and dominant disease. Alport syndrome typically has biallelic inheritance, although rare cases of monoallelic inheritance have been reported (PMID: 28704582). Thin basement membrane nephropathy (TBMN) and focal segmental glomerulosclerosis (FSGS) are associated with autosomal dominant inheritance (OMIM, PMIDs: 16467446, 17942953); Alternative amino acid change(s) at the same position are present in gnomAD (Highest allele count: v4: 1 heterozygote(s), 0 homozygote(s)); Previous evidence of pathogenicity for this variant is inconclusive. This variant has been reported in the literature in a heterozygous individual with Alport syndrome who harboured another variant in COL4A4 (p.Pro502Leufs*151), with phasing unknown (PMID: 30076350); No published evidence of segregation with disease has been identified for this variant; No published functional evidence has been identified for this variant; Loss of function is a known mechanism of disease for this gene and is associated with Alport syndrome. Dominant negative is a suspected mechanism of disease for this gene as it is a structural protein (PMIDs: 12028435, 24046192); Inheritance information for this variant is not currently available in this individual.

Literature cited by the submitters: PubMed 24046192; PubMed 16467446; PubMed 12028435; PubMed 28704582; PubMed 17942953; PubMed 30076350.

NM_000092.5(COL4A4):c.4333G>C (p.Gly1445Arg)

Gene: COL4A4 (collagen type IV alpha 4 chain; minus strand). Cytogenetic location: 2q36.3.
Variant type: single nucleotide variant.
Coding change: c.4333G>C on transcript NM_000092.5 (MANE Select); coding-DNA position 4333, G replaced by C.
Protein change: p.Gly1445Arg; replaces glycine 1445 with arginine.
Molecular consequence: missense variant.
Genome position (GRCh38, 1-based): chr2:227,012,181, C>G on the plus strand (G>C on the coding strand, the complement: COL4A4 is on the minus strand). VCF-style: chr2-227012181-C-G. GRCh37 (hg19) VCF-style: chr2-227876897-C-G.
Other names: short protein forms G1445R.
Identifiers: ClinVar variation 4531825 (VCV004531825.1).